The following is an entry in ClinVar:

NM_002715.4(PPP2CA):c.822A>C (p.Ala274=)

Gene: PPP2CA (protein phosphatase 2 catalytic subunit alpha; minus strand). Cytogenetic location: 5q31.1.
Variant type: single nucleotide variant.
Coding change: c.822A>C on transcript NM_002715.4 (MANE Select); coding-DNA position 822, A replaced by C.
Protein change: p.Ala274=; no amino-acid change (alanine 274 retained).
Molecular consequence: synonymous variant. On other transcripts: non-coding transcript variant (1).
Genome position (GRCh38, 1-based): chr5:134,199,121, T>G on the plus strand (A>C on the coding strand, the complement: PPP2CA is on the minus strand). VCF-style: chr5-134199121-T-G. GRCh37 (hg19) VCF-style: chr5-133534812-T-G.
Other names: c.627A>C, p.Ala209= (NM_001355019.2).
Identifiers: ClinVar variation 1610320 (VCV001610320.39), dbSNP rs756668978, ClinGen allele CA3412763.
Genomic context (GRCh38, chr5:134,199,121, plus strand): 5'-AAAATGTTCAGGTAGAATTACTTACAAAGAGTATTTTAGAGTATCGTCAAGTTCCATGAT[T>G]GCAGCTTGGTTACCACAACGATAACAATAGTTTGGAGCACTGAAAATCGTTACTACATTC-3'
Protein context (NP_002706.1, residues 264-284): NYCYRCGNQA[Ala274=]IMELDDTLKY

ClinVar aggregate classification (germline): Likely benign. Review status: criteria provided, multiple submitters, no conflicts (2 of 4 stars). 3 submissions from 3 submitters: Likely benign (3). Last evaluated 2026-01-01.

Allele frequency attached by ClinVar (database versions not stated): gnomAD exomes below 0.00001 and 0.00001; ExAC 0.00001; gnomAD 0.00001; TOPMed 0.00002.
gnomAD v4.1: 21 of 1,613,684 alleles (0.0013%); highest among the groups gnomAD compares: Non-Finnish European, 0.0017%; no homozygotes.

Submissions (3):

CeGaT Center for Human Genetics Tuebingen
Classification: Likely benign. Last evaluated: 2026-01-01. Review status: criteria provided, single submitter. Criteria: CeGaT Center For Human Genetics Tuebingen Variant Classification Criteria Version 2. Collection method: clinical testing. Allele origin: germline. Affected: yes. Observed: 3 variant alleles.
Comment: PPP2CA: BP4, BP7

Labcorp Genetics (formerly Invitae), Labcorp
Classification: Likely benign. Last evaluated: 2025-08-04. Review status: criteria provided, single submitter. Criteria: Invitae Variant Classification Sherloc (09022015). Collection method: clinical testing. Allele origin: germline.

Blueprint Genetics
Classification: Likely benign. Last evaluated: 2024-03-19. Review status: criteria provided, single submitter. Criteria: ACMG Guidelines, 2015. Collection method: clinical testing. Allele origin: germline.